The following is an entry in ClinVar:

NM_153704.6(TMEM67):c.407-8C>G

Gene: TMEM67 (transmembrane protein 67; plus strand). Cytogenetic location: 8q22.1.
Variant type: single nucleotide variant.
Coding change: c.407-8C>G on transcript NM_153704.6 (MANE Select); 8 bases into the intron before coding-DNA position 407, C replaced by G.
Molecular consequence: intron variant.
Genome position (GRCh38, 1-based): chr8:93,763,834, C>G. VCF-style: chr8-93763834-C-G. GRCh37 (hg19) VCF-style: chr8-94776062-C-G.
Other names: c.164-8C>G (NM_001142301.1).
Identifiers: ClinVar variation 1473114 (VCV001473114.8), dbSNP rs778605297, ClinGen allele CA1116691591.
Genomic context (GRCh38, chr8:93,763,834, plus strand): 5'-TTCTGAATATGTAGAAGCTTATATGTTTACTATGAGTTACATCTTTATTTTGTTTCTAAA[C>G]TGTTCAGTGGAAAGAGACATTAATGGAACATTGTTGTCTCAAGCAACTTGTGAGCTCTGT-3'

ClinVar aggregate classification (germline): Uncertain significance. Review status: criteria provided, multiple submitters, no conflicts (2 of 4 stars). 2 submissions from 2 submitters: Uncertain significance (2). Last evaluated 2024-02-05.

Conditions:
Meckel-Gruber syndrome. Also called: DYSENCEPHALIA SPLANCHNOCYSTICA; GRUBER SYNDROME; Dysencephalia splachnocystica. Identifiers: Orphanet 564, MedGen C0265215, MONDO:0018921.
Joubert syndrome. Also called: CEREBELLOPARENCHYMAL DISORDER IV; JOUBERT-BOLTSHAUSER SYNDROME; Familial aplasia of the vermis. Identifiers: Orphanet 475, MedGen C5979921, MONDO:0018772.
COACH syndrome 1. Identifiers: Orphanet 1454, MedGen C5435651, MONDO:0800103, OMIM 216360, MONDO:0008996.
Nephronophthisis 11 (NPHP11). Identifiers: Orphanet 84081, MedGen C3150796, MONDO:0013302, OMIM 613550.
Bardet-Biedl syndrome 14 (BBS14). Identifiers: Orphanet 110, MedGen C2673874, MONDO:0014442, OMIM 615991.
Joubert syndrome 6 (JBTS6). Identifiers: Orphanet 475, MedGen C1853153, MONDO:0012539, OMIM 610688.
RHYNS syndrome. Also called: RETINITIS PIGMENTOSA SYNDROME; RETINITIS PIGMENTOSA, HYPOPITUITARISM, NEPHRONOPHTHISIS, AND MILD SKELETAL DYSPLASIA. Identifiers: Orphanet 140976, MedGen C1865794, MONDO:0011202, OMIM 602152.
Meckel syndrome, type 3 (MKS3). Also called: MECKEL-GRUBER SYNDROME, TYPE 3. Identifiers: Orphanet 564, MedGen C1846357, MONDO:0011821, OMIM 607361.

gnomAD v4.1: 2 of 1,596,338 alleles (0.00013%); highest among the groups gnomAD compares: Non-Finnish European, 0.00017%; no homozygotes.

Submissions (2):

Labcorp Genetics (formerly Invitae), Labcorp
Classification: Uncertain significance for Joubert syndrome; Meckel-Gruber syndrome. Last evaluated: 2024-02-05. Review status: criteria provided, single submitter. Criteria: Invitae Variant Classification Sherloc (09022015). Collection method: clinical testing. Allele origin: germline.
Comment: This sequence change falls in intron 3 of the TMEM67 gene. It does not directly change the encoded amino acid sequence of the TMEM67 protein. This variant is not present in population databases (gnomAD no frequency). This variant has not been reported in the literature in individuals affected with TMEM67-related conditions. ClinVar contains an entry for this variant (Variation ID: 1473114). Algorithms developed to predict the effect of sequence changes on RNA splicing suggest that this variant may disrupt the consensus splice site. In summary, the available evidence is currently insufficient to determine the role of this variant in disease. Therefore, it has been classified as a Variant of Uncertain Significance.

Fulgent Genetics
Classification: Uncertain significance for COACH syndrome 1; RHYNS syndrome; Meckel syndrome, type 3; Joubert syndrome 6; Nephronophthisis 11; Bardet-Biedl syndrome 14. Last evaluated: 2024-01-12. Review status: criteria provided, single submitter. Criteria: ACMG Guidelines, 2015. Collection method: clinical testing. Allele origin: germline.